The following is an entry in ClinVar:

ClinVar aggregate classification (germline): Uncertain significance (1 of 4 stars; one submission).

Submission:

GeneDx
Classification: Uncertain significance. Last evaluated: 2023-05-03. Review status: criteria provided, single submitter. Criteria: GeneDx Variant Classification Process June 2021. Collection method: clinical testing. Allele origin: germline. Affected: yes.
Comment: Not observed at significant frequency in large population cohorts (gnomAD); In silico analysis supports that this missense variant does not alter protein structure/function; Has not been previously published as pathogenic or benign to our knowledge

NM_015047.3(EMC1):c.2067T>G (p.Asp689Glu)

Genes: EMC1 (ER membrane protein complex subunit 1; minus strand), EMC1-AS1 (EMC1 antisense RNA 1; plus strand). Cytogenetic location: 1p36.13.
Variant type: single nucleotide variant.
Coding change: c.2067T>G on transcript NM_015047.3 (MANE Select); coding-DNA position 2067, T replaced by G.
Protein change: p.Asp689Glu; replaces aspartic acid 689 with glutamic acid.
Molecular consequence: missense variant.
Genome position (GRCh38, 1-based): chr1:19,227,448, A>C on the plus strand (T>G on the coding strand, the complement: EMC1 is on the minus strand). VCF-style: chr1-19227448-A-C. GRCh37 (hg19) VCF-style: chr1-19553942-A-C.
Other names: c.2064T>G, p.Asp688Glu (NM_001271427.2, NM_001271428.2); c.2001T>G, p.Asp667Glu (NM_001271429.2); c.2076T>G, p.Asp692Glu (NM_001375820.1); c.2073T>G, p.Asp691Glu (NM_001375821.1); short protein forms D667E, D688E, D689E, D691E, D692E.
Identifiers: ClinVar variation 2662186 (VCV002662186.1), dbSNP rs1215427102, ClinGen allele CA338757270.